The following is an entry in ClinVar:

ClinVar aggregate classification (germline): Uncertain significance (0 of 4 stars; one submission).

Conditions:
GABRA3-related disorder. Also called: GABRA3-related condition.

Submission:

PreventionGenetics, part of Exact Sciences
Classification: Uncertain significance for GABRA3-related condition. Last evaluated: 2024-06-17. Review status: no assertion criteria provided. Collection method: clinical testing. Allele origin: germline.
Comment: The GABRA3 c.103C>A variant is predicted to result in the amino acid substitution p.Gln35Lys. To our knowledge, this variant has not been reported in the literature or in a large population database, indicating this variant is rare. At this time, the clinical significance of this variant is uncertain due to the absence of conclusive functional and genetic evidence.

NM_000808.4(GABRA3):c.103C>A (p.Gln35Lys)

Gene: GABRA3 (gamma-aminobutyric acid type A receptor subunit alpha3; minus strand). Cytogenetic location: Xq28.
Variant type: single nucleotide variant.
Coding change: c.103C>A on transcript NM_000808.4 (MANE Select); coding-DNA position 103, C replaced by A.
Protein change: p.Gln35Lys; replaces glutamine 35 with lysine.
Molecular consequence: missense variant.
Genome position (GRCh38, 1-based): chrX:152,364,468, G>T on the plus strand (C>A on the coding strand, the complement: GABRA3 is on the minus strand). VCF-style: chrX-152364468-G-T. GRCh37 (hg19) VCF-style: chrX-151532940-G-T.
Other names: short protein forms Q35K.
Identifiers: ClinVar variation 2633788 (VCV002633788.2), dbSNP rs2520535695, ClinGen allele CA415282231.